The following is an entry in ClinVar:

ClinVar aggregate classification (germline): Uncertain significance (1 of 4 stars; one submission).

Conditions:
Gastrointestinal stromal tumor. Also called: Gastrointestinal stromal tumor, somatic; Gastrointestinal stroma tumor. Identifiers: Orphanet 44890, MedGen C0238198, MeSH D046152, MONDO:0011719, OMIM 606764, HP:0100723.

Submission:

Labcorp Genetics (formerly Invitae), Labcorp
Classification: Uncertain significance for Gastrointestinal stromal tumor. Last evaluated: 2023-12-12. Review status: criteria provided, single submitter. Criteria: Invitae Variant Classification Sherloc (09022015). Collection method: clinical testing. Allele origin: germline.
Comment: This sequence change falls in intron 16 of the KIT gene. It does not directly change the encoded amino acid sequence of the KIT protein. This variant is not present in population databases (gnomAD no frequency). This variant has not been reported in the literature in individuals affected with KIT-related conditions. Algorithms developed to predict the effect of sequence changes on RNA splicing suggest that this variant may disrupt the consensus splice site. In summary, the available evidence is currently insufficient to determine the role of this variant in disease. Therefore, it has been classified as a Variant of Uncertain Significance.

NM_000222.3(KIT):c.2362-9A>G

Gene: KIT (KIT proto-oncogene, receptor tyrosine kinase; plus strand). Cytogenetic location: 4q12.
Variant type: single nucleotide variant.
Coding change: c.2362-9A>G on transcript NM_000222.3 (MANE Select); 9 bases into the intron before coding-DNA position 2362, A replaced by G.
Molecular consequence: intron variant.
Genome position (GRCh38, 1-based): chr4:54,733,061, A>G. VCF-style: chr4-54733061-A-G. GRCh37 (hg19) VCF-style: chr4-55599227-A-G.
Other names: c.2365-9A>G (NM_001385284.1); c.2362-9A>G (NM_001385290.1); c.2353-9A>G (NM_001385288.1); c.2350-9A>G (NM_001385292.1, NM_001093772.2); c.2359-9A>G (NM_001385285.1); c.2347-9A>G (NM_001385286.1).
Identifiers: ClinVar variation 2702406 (VCV002702406.3), dbSNP rs2109800877, ClinGen allele CA2697546726.